The following is an entry in ClinVar:

ClinVar aggregate classification (germline): Uncertain significance (1 of 4 stars; one submission).

Allele frequency attached by ClinVar (database versions not stated): gnomAD 0.00001; ExAC 0.00004.
gnomAD v4.1: 15 of 1,613,460 alleles (0.00093%); highest among the groups gnomAD compares: Admixed American, 0.025%; no homozygotes.

Submission:

Labcorp Genetics (formerly Invitae), Labcorp
Classification: Uncertain significance. Last evaluated: 2022-02-21. Review status: criteria provided, single submitter. Criteria: Invitae Variant Classification Sherloc (09022015). Collection method: clinical testing. Allele origin: germline.
Comment: This sequence change replaces glycine, which is neutral and non-polar, with aspartic acid, which is acidic and polar, at codon 1656 of the HSPG2 protein (p.Gly1656Asp). This variant is present in population databases (rs772736520, gnomAD 0.04%). This variant has not been reported in the literature in individuals affected with HSPG2-related conditions. Algorithms developed to predict the effect of missense changes on protein structure and function are either unavailable or do not agree on the potential impact of this missense change (SIFT: "Deleterious"; PolyPhen-2: "Probably Damaging"; Align-GVGD: "Class C0"). In summary, the available evidence is currently insufficient to determine the role of this variant in disease. Therefore, it has been classified as a Variant of Uncertain Significance.

NM_005529.7(HSPG2):c.4967G>A (p.Gly1656Asp)

Gene: HSPG2 (heparan sulfate proteoglycan 2; minus strand). Cytogenetic location: 1p36.12.
Variant type: single nucleotide variant.
Coding change: c.4967G>A on transcript NM_005529.7 (MANE Select); coding-DNA position 4967, G replaced by A.
Protein change: p.Gly1656Asp; replaces glycine 1656 with aspartic acid.
Molecular consequence: missense variant.
Genome position (GRCh38, 1-based): chr1:21,860,224, C>T on the plus strand (G>A on the coding strand, the complement: HSPG2 is on the minus strand). VCF-style: chr1-21860224-C-T. GRCh37 (hg19) VCF-style: chr1-22186717-C-T.
Other names: c.4970G>A, p.Gly1657Asp (NM_001291860.2); short protein forms G1657D, G1656D.
Identifiers: ClinVar variation 2158483 (VCV002158483.1), dbSNP rs772736520, ClinGen allele CA672093.
Genomic context (GRCh38, chr1:21,860,224, plus strand): 5'-TGGTCCCACTTACTCTCTGGCAGGCACTGGCCCCCTTGCACACTGGGGTTACCCACGTAA[C>T]CTGGGCCACACCTGTAAGGGGGAACAAGGGCCGGCAATGTCAGGCCTCAAGGGCCCCAGT-3'
Protein context (NP_005520.4, residues 1646-1666): TGQYCEQCGP[Gly1656Asp]YVGNPSVQGG